The following is an entry in ClinVar:

ClinVar aggregate classification (germline): Benign/Likely benign. Review status: criteria provided, multiple submitters, no conflicts (2 of 4 stars). 5 submissions from 5 submitters: Benign (3); Likely benign (2). Last evaluated 2026-01-12.

Conditions:
BNAR syndrome. Also called: Bifid Nose With or Without Anorectal and Renal Anomalies (BNAR) Syndrome. Identifiers: Orphanet 217266, MedGen C2750433, MONDO:0012165, OMIM 608980.
Oculotrichoanal syndrome (MOTA). Also called: MARLES SYNDROME; Manitoba Oculotrichoanal (MOTA) Syndrome. Identifiers: Orphanet 2717, MedGen C1855425, MONDO:0009560, OMIM 248450.
Trigonocephaly 2 (TRIGNO2). Identifiers: Orphanet 3366, MedGen C3280974, MONDO:0013774, OMIM 614485.

Allele frequency attached by ClinVar (database versions not stated): TOPMed 0.01186; ESP Exome Variant Server 0.01210; 1000 Genomes Project 0.01218; 1000 Genomes Project 30x 0.01234.
gnomAD v4.1: 28,592 of 1,613,684 alleles (1.8%); highest among the groups gnomAD compares: South Asian, 3.3%; 339 homozygotes.

Submissions (5):

Labcorp Genetics (formerly Invitae), Labcorp
Classification: Benign. Last evaluated: 2026-01-12. Review status: criteria provided, single submitter. Criteria: Invitae Variant Classification Sherloc (09022015). Collection method: clinical testing. Allele origin: germline.

Blueprint Genetics
Classification: Likely benign. Last evaluated: 2024-11-27. Review status: criteria provided, single submitter. Criteria: ACMG Guidelines, 2015. Collection method: clinical testing. Allele origin: germline.

Fulgent Genetics
Classification: Likely benign for Oculotrichoanal syndrome; BNAR syndrome; Trigonocephaly 2. Last evaluated: 2021-12-15. Review status: criteria provided, single submitter. Criteria: ACMG Guidelines, 2015. Collection method: clinical testing. Allele origin: unknown.

Illumina Laboratory Services, Illumina
Classification: Benign for Oculotrichoanal syndrome. Last evaluated: 2018-01-13. Review status: criteria provided, single submitter. Criteria: ICSL Variant Classification Criteria 13 December 2019. Collection method: clinical testing. Allele origin: germline.
Comment: This variant was observed in the ICSL laboratory as part of a predisposition screen in an ostensibly healthy population. It had not been previously curated by ICSL or reported in the Human Gene Mutation Database (HGMD: prior to June 1st, 2018), and was therefore a candidate for classification through an automated scoring system. Utilizing variant allele frequency, disease prevalence and penetrance estimates, and inheritance mode, an automated score was calculated to assess if this variant is too frequent to cause the disease. Based on the score and internal cut-off values, a variant classified as benign is not then subjected to further curation. The score for this variant resulted in a classification of benign for this disease.

Breakthrough Genomics
Classification: Benign. Review status: criteria provided, single submitter. Criteria: ACMG Guidelines, 2015. Collection method: not provided. Allele origin: germline. Inheritance: Autosomal recessive inheritance. Affected: yes.

NM_001379081.2(FREM1):c.516C>T (p.Thr172=)

Gene: FREM1 (FRAS1 related extracellular matrix 1; minus strand). Cytogenetic location: 9p22.3.
Variant type: single nucleotide variant.
Coding change: c.516C>T on transcript NM_001379081.2 (MANE Select); coding-DNA position 516, C replaced by T.
Protein change: p.Thr172=; no amino-acid change (threonine 172 retained).
Molecular consequence: synonymous variant. On other transcripts: non-coding transcript variant (4).
Genome position (GRCh38, 1-based): chr9:14,859,298, G>A on the plus strand (C>T on the coding strand, the complement: FREM1 is on the minus strand). VCF-style: chr9-14859298-G-A. GRCh37 (hg19) VCF-style: chr9-14859296-G-A.
Other names: c.516C>T, p.Thr172= (NM_001370060.1, NM_001370063.1, NM_001370065.1 and 1 more transcripts).
Identifiers: ClinVar variation 366171 (VCV000366171.15), dbSNP rs41265310, ClinGen allele CA4991548.
Genomic context (GRCh38, chr9:14,859,298, plus strand): 5'-CTCCCCGAGAACCATCTGGCCATGGGCTGGCAGCCGAGTTCTCGCAGTGTCCAGGCTGAC[G>A]GTACATTCCAGGCTAGCCATCCTATCATAATCGAATCTGAGCAGATTTTTATCAATCGCT-3'
Protein context (NP_001366010.1, residues 162-182): DYDRMASLEC[Thr172=]VSLDTARTRL